The following is an entry in ClinVar:

NM_006182.4(DDR2):c.1406C>T (p.Ser469Leu)

Gene: DDR2 (discoidin domain receptor tyrosine kinase 2; plus strand). Cytogenetic location: 1q23.3.
Variant type: single nucleotide variant.
Coding change: c.1406C>T on transcript NM_006182.4 (MANE Select); coding-DNA position 1406, C replaced by T.
Protein change: p.Ser469Leu; replaces serine 469 with leucine.
Molecular consequence: missense variant.
Genome position (GRCh38, 1-based): chr1:162,770,414, C>T. VCF-style: chr1-162770414-C-T. GRCh37 (hg19) VCF-style: chr1-162740204-C-T.
Other names: c.1406C>T, p.Ser469Leu (NM_001014796.3, NM_001354982.2, NM_001354983.2); short protein forms S469L.
Identifiers: ClinVar variation 1925150 (VCV001925150.5), dbSNP rs749040833, ClinGen allele CA1217510.

ClinVar aggregate classification (germline): Uncertain significance (1 of 4 stars; one submission).

Allele frequency attached by ClinVar (database versions not stated): gnomAD exomes below 0.00001; ExAC 0.00002.
gnomAD v4.1: 6 of 1,614,060 alleles (0.00037%); highest among the groups gnomAD compares: South Asian, 0.0022%; no homozygotes.

Submission:

Labcorp Genetics (formerly Invitae), Labcorp
Classification: Uncertain significance. Last evaluated: 2025-01-20. Review status: criteria provided, single submitter. Criteria: Invitae Variant Classification Sherloc (09022015). Collection method: clinical testing. Allele origin: germline.
Comment: This sequence change replaces serine, which is neutral and polar, with leucine, which is neutral and non-polar, at codon 469 of the DDR2 protein (p.Ser469Leu). This variant is present in population databases (rs749040833, gnomAD 0.003%). This variant has not been reported in the literature in individuals affected with DDR2-related conditions. ClinVar contains an entry for this variant (Variation ID: 1925150). An algorithm developed to predict the effect of missense changes on protein structure and function (PolyPhen-2) suggests that this variant is likely to be tolerated. In summary, the available evidence is currently insufficient to determine the role of this variant in disease. Therefore, it has been classified as a Variant of Uncertain Significance.